The following is an entry in ClinVar:

NM_001378615.1(CC2D2A):c.3985G>C (p.Ala1329Pro)

Genes: CC2D2A (coiled-coil and C2 domain containing 2A; plus strand), FBXL5 (F-box and leucine rich repeat protein 5; minus strand). Cytogenetic location: 4p15.32.
Variant type: single nucleotide variant.
Coding change: c.3985G>C on transcript NM_001378615.1 (MANE Select); coding-DNA position 3985, G replaced by C.
Protein change: p.Ala1329Pro; replaces alanine 1329 with proline.
Molecular consequence: missense variant.
Genome position (GRCh38, 1-based): chr4:15,586,166, G>C. VCF-style: chr4-15586166-G-C. GRCh37 (hg19) VCF-style: chr4-15587789-G-C.
Other names: c.3985G>C, p.Ala1329Pro (NM_001080522.2); c.3838G>C, p.Ala1280Pro (NM_001378617.1); short protein forms A1329P, A1280P.
Identifiers: ClinVar variation 422171 (VCV000422171.10), dbSNP rs951039594, ClinGen allele CA16618035.
Genomic context (GRCh38, chr4:15,586,166, plus strand): 5'-CATTCTGTTTTATTATAAATTATTTTTGTAAAGCTCATTTTGATTATACAGGAACTGGTG[G>C]CTCGATATGTGTCCTTGATTCCCTTCTTGCCTGACACTGTCTCATTTGGTGGTATCTGTG-3'
Protein context (NP_001365544.1, residues 1319-1339): NNLQATAELV[Ala1329Pro]RYVSLIPFLP

ClinVar aggregate classification (germline): Uncertain significance. Review status: criteria provided, multiple submitters, no conflicts (2 of 4 stars). 2 submissions from 2 submitters: Uncertain significance (2). Last evaluated 2025-03-05.

Conditions:
Meckel-Gruber syndrome. Also called: Dysencephalia splachnocystica; DYSENCEPHALIA SPLANCHNOCYSTICA; GRUBER SYNDROME. Identifiers: Orphanet 564, MedGen C0265215, MONDO:0018921.
Joubert syndrome. Also called: Familial aplasia of the vermis; JOUBERT-BOLTSHAUSER SYNDROME. Identifiers: Orphanet 475, MedGen C5979921, MONDO:0018772.

Allele frequency attached by ClinVar (database versions not stated): gnomAD exomes below 0.00001; TOPMed 0.00005; gnomAD 0.00006.
gnomAD v4.1: 9 of 1,609,402 alleles (0.00056%); highest among the groups gnomAD compares: African/African-American, 0.012%; no homozygotes.

Submissions (2):

Labcorp Genetics (formerly Invitae), Labcorp
Classification: Uncertain significance for Joubert syndrome; Meckel-Gruber syndrome. Last evaluated: 2025-03-05. Review status: criteria provided, single submitter. Criteria: Invitae Variant Classification Sherloc (09022015). Collection method: clinical testing. Allele origin: germline.
Comment: This sequence change replaces alanine, which is neutral and non-polar, with proline, which is neutral and non-polar, at codon 1329 of the CC2D2A protein (p.Ala1329Pro). This variant is present in population databases (no rsID available, gnomAD 0.01%). This missense change has been observed in individual(s) with clinical features of Joubert syndrome and related disorders (internal data). ClinVar contains an entry for this variant (Variation ID: 422171). Invitae Evidence Modeling of protein sequence and biophysical properties (such as structural, functional, and spatial information, amino acid conservation, physicochemical variation, residue mobility, and thermodynamic stability) indicates that this missense variant is expected to disrupt CC2D2A protein function with a positive predictive value of 80%. In summary, the available evidence is currently insufficient to determine the role of this variant in disease. Therefore, it has been classified as a Variant of Uncertain Significance.

GeneDx
Classification: Uncertain significance. Last evaluated: 2016-09-02. Review status: criteria provided, single submitter. Criteria: GeneDx Variant Classification (06012015). Collection method: clinical testing. Allele origin: germline. Affected: yes.
Comment: A variant of uncertain significance has been identified in the CC2D2A gene. The c.3985 G>C variant has not been published as a pathogenic variant, nor has it been reported as a benign variant to our knowledge. It was not observed in approximately 6,000 individuals of European and African American ancestry in the NHLBI Exome Sequencing Project, indicating it is not a common benign variant in these populations. Several in-silico splice prediction models predict that c.3985 G>C damages the natural acceptor site for exon 32 and may lead to abnormal gene splicing. However, in the absence of RNA/functional studies, the actual effect of this sequence change is unknown. If c.3985 G>C does not affect splicing, it will result in an A1329P missense change. The A1329P variant is a semi-conservative amino acid substitution, which may impact secondary protein structure as these residues differ in some properties. This substitution occurs at a position that is conserved across species, and in silico analysis predicts the A1329P variant is probably damaging to the protein structure/function. Based on the currently available information, it is unclear whether this variant is a pathogenic variant or a rare benign variant.